The following is an entry in ClinVar:

NM_001318510.2(ACSL4):c.1561G>A (p.Asp521Asn)

Gene: ACSL4 (acyl-CoA synthetase long chain family member 4; minus strand). Cytogenetic location: Xq23.
Variant type: single nucleotide variant.
Coding change: c.1561G>A on transcript NM_001318510.2 (MANE Select); coding-DNA position 1561, G replaced by A.
Protein change: p.Asp521Asn; replaces aspartic acid 521 with asparagine.
Molecular consequence: missense variant.
Genome position (GRCh38, 1-based): chrX:109,663,232, C>T on the plus strand (G>A on the coding strand, the complement: ACSL4 is on the minus strand). VCF-style: chrX-109663232-C-T. GRCh37 (hg19) VCF-style: chrX-108906461-C-T.
Other names: c.1684G>A, p.Asp562Asn (NM_001318509.2, NM_022977.3); c.1561G>A, p.Asp521Asn (NM_004458.3); short protein forms D521N, D562N.
Identifiers: ClinVar variation 520570 (VCV000520570.7), dbSNP rs1556225792, ClinGen allele CA414215086.

ClinVar aggregate classification (germline): Uncertain significance. Review status: criteria provided, multiple submitters, no conflicts (2 of 4 stars). 2 submissions from 2 submitters: Uncertain significance (2). Last evaluated 2018-10-31.

Conditions:
Intellectual developmental disorder, X-linked 63. Also called: Intellectual disability, X-linked 63; MENTAL RETARDATION, X-LINKED 68. Identifiers: Orphanet 777, MedGen C1845672, MONDO:0010313, OMIM 300387.
Inborn genetic diseases. Identifiers: MedGen C0950123, MeSH D030342.

Allele frequency attached by ClinVar (database versions not stated): TOPMed 0.00002; gnomAD exomes below 0.00001.
gnomAD v4.1: 3 of 1,207,227 alleles (0.00025%); highest among the groups gnomAD compares: Non-Finnish European, 0.00022%; no homozygotes.

Submissions (2):

Fulgent Genetics
Classification: Uncertain significance for Intellectual developmental disorder, X-linked 63. Last evaluated: 2018-10-31. Review status: criteria provided, single submitter. Criteria: ACMG Guidelines, 2015. Collection method: clinical testing. Allele origin: unknown.

Ambry Genetics
Classification: Uncertain significance for Inborn genetic diseases. Last evaluated: 2014-10-20. Review status: criteria provided, single submitter. Criteria: Ambry Variant Classification Scheme 2023. Collection method: clinical testing. Allele origin: germline.
Comment: The c.1561G>A (p.D521N) alteration is located in exon 13 (coding exon 11) of the ACSL4 gene. This alteration results from a G to A substitution at nucleotide position 1561, causing the aspartic acid (D) at amino acid position 521 to be replaced by an asparagine (N). The alteration is not observed in healthy cohorts:_x000D_ Based on data from the NHLBI Exome Sequencing Project (ESP), the ACSL4/FACL4 c.1561G>A alteration was not observed among 6,780 individuals tested. Allele frequency data for this nucleotide position are not currently available from the 1000 Genomes Project and the alteration is not currently listed in the Database of Single Nucleotide Polymorphisms (dbSNP). Though some variants may appear to be rare due to database-specific ethnic underrepresentation, rare missense alleles commonly exhibit a deleterious effect on protein function (Kryukov, 2007; Tennessen, 2012). IF USED, PULL THESE INTO REFERENCES:_x000D_ Kryukov GV, et al. (2007) Am J Hum Genet 80:727-739. Tennessen JA, et al. (2012) Science 337(64):64-69. This amino acid position is completely conserved on sequence alignment in available vertibrate species. The amino acid is located in a functionally important protein domain:_x000D_ The p.521D amino acid is located in the AMP-dependent synthetase/ligase domain of the protein. The alteration is predicted deleterious by in silico models:_x000D_ The p.D521N alteration is predicted to be probably damaging by Polyphen and deleterious by SIFT in silico analyses. Based on insufficient or conflicting evidence, the clinical significance of this alteration remains unclear.